The following is an entry in ClinVar:

NM_000203.5(IDUA):c.1447C>A (p.Pro483Thr)

Gene: IDUA (alpha-L-iduronidase; plus strand). Cytogenetic location: 4p16.3.
Variant type: single nucleotide variant.
Coding change: c.1447C>A on transcript NM_000203.5 (MANE Select); coding-DNA position 1447, C replaced by A.
Protein change: p.Pro483Thr; replaces proline 483 with threonine.
Molecular consequence: missense variant. On other transcripts: non-coding transcript variant (1).
Genome position (GRCh38, 1-based): chr4:1,003,080, C>A. VCF-style: chr4-1003080-C-A. GRCh37 (hg19) VCF-style: chr4-996868-C-A.
Other names: c.1051C>A, p.Pro351Thr (NM_001363576.1); short protein forms P351T, P483T.
Identifiers: ClinVar variation 2785457 (VCV002785457.4), dbSNP rs1715208911, ClinGen allele CA355964610.
Genomic context (GRCh38, chr4:1,003,080, plus strand): 5'-GTGTCAGGCCCCGCAGGCCTGGTCTACGTCACGCGCTACCTGGACAACGGGCTCTGCAGC[C>A]CCGACGGCGAGTGGCGGCGCCTGGGCCGGCCCGTCTTCCCCACGGCAGAGCAGTTCCGGC-3'
Protein context (NP_000194.2, residues 473-493): TRYLDNGLCS[Pro483Thr]DGEWRRLGRP

ClinVar aggregate classification (germline): Uncertain significance. Review status: criteria provided, multiple submitters, no conflicts (2 of 4 stars). 2 submissions from 2 submitters: Uncertain significance (2). Last evaluated 2024-06-05.

Conditions:
Mucopolysaccharidosis type 1. Also called: Mucopolysaccharidosis Type I; IDUA deficiency; MPS I. Identifiers: Orphanet 579, MedGen C0023786, MONDO:0001586.

Submissions (2):

Labcorp Genetics (formerly Invitae), Labcorp
Classification: Uncertain significance for Mucopolysaccharidosis type 1. Last evaluated: 2024-06-05. Review status: criteria provided, single submitter. Criteria: Invitae Variant Classification Sherloc (09022015). Collection method: clinical testing. Allele origin: germline.
Comment: This sequence change replaces proline, which is neutral and non-polar, with threonine, which is neutral and polar, at codon 483 of the IDUA protein (p.Pro483Thr). This variant is not present in population databases (gnomAD no frequency). This variant has not been reported in the literature in individuals affected with IDUA-related conditions. Advanced modeling of protein sequence and biophysical properties (such as structural, functional, and spatial information, amino acid conservation, physicochemical variation, residue mobility, and thermodynamic stability) performed at Invitae indicates that this missense variant is expected to disrupt IDUA protein function with a positive predictive value of 95%. In summary, the available evidence is currently insufficient to determine the role of this variant in disease. Therefore, it has been classified as a Variant of Uncertain Significance.

Revvity Omics, Revvity
Classification: Uncertain significance. Last evaluated: 2023-11-29. Review status: criteria provided, single submitter. Criteria: ACMG Guidelines, 2015. Collection method: clinical testing. Allele origin: germline.